The following is an entry in ClinVar:

NM_000238.4(KCNH2):c.3103_3120delinsGGGTCGGCGG (p.Arg1035fs)

Gene: KCNH2 (potassium voltage-gated channel subfamily H member 2; minus strand). Cytogenetic location: 7q36.1.
Variant type: Indel.
Coding change: c.3103_3120delinsGGGTCGGCGG on transcript NM_000238.4 (MANE Select); coding-DNA positions 3103 to 3120, CGGGGCGACGTGGAGAGC replaced by GGGTCGGCGG.
Protein change: p.Arg1035fs; shifts the reading frame from arginine 1035.
Molecular consequence: frameshift variant. On other transcripts: non-coding transcript variant (2).
Genome position (GRCh38, 1-based): chr7:150,947,360-150,947,377, GCTCTCCACGTCGCCCCG replaced by CCGCCGACCC on the plus strand (CGGGGCGACGTGGAGAGC replaced by GGGTCGGCGG on the coding strand, the reverse complement: KCNH2 is on the minus strand). VCF-style: chr7-150947360-GCTCTCCACGTCGCCCCG-CCGCCGACCC. GRCh37 (hg19) VCF-style: chr7-150644448-GCTCTCCACGTCGCCCCG-CCGCCGACCC.
Other names: c.2083_2100delinsGGGTCGGCGG, p.Arg695fs (NM_172057.3); c.2815_2832delinsGGGTCGGCGG, p.Arg939fs (NM_001406753.1); short protein forms R1035fs, R695fs, R939fs.
Identifiers: ClinVar variation 2571299 (VCV002571299.27), dbSNP rs2486003476, ClinGen allele CA2580614279.

ClinVar aggregate classification (germline): Pathogenic (1 of 4 stars; one submission).

Submission:

CeGaT Center for Human Genetics Tuebingen
Classification: Pathogenic. Last evaluated: 2023-05-01. Review status: criteria provided, single submitter. Criteria: CeGaT Center For Human Genetics Tuebingen Variant Classification Criteria Version 2. Collection method: clinical testing. Allele origin: germline. Affected: yes. Observed: 1 variant allele.
Comment: KCNH2: PVS1, PM2